The following is an entry in ClinVar:

NM_002112.4(HDC):c.1614T>C (p.Asn538=)

Gene: HDC (histidine decarboxylase; minus strand). Cytogenetic location: 15q21.2.
Variant type: single nucleotide variant.
Coding change: c.1614T>C on transcript NM_002112.4 (MANE Select); coding-DNA position 1614, T replaced by C.
Protein change: p.Asn538=; no amino-acid change (asparagine 538 retained).
Molecular consequence: synonymous variant.
Genome position (GRCh38, 1-based): chr15:50,242,635, A>G on the plus strand (T>C on the coding strand, the complement: HDC is on the minus strand). VCF-style: chr15-50242635-A-G. GRCh37 (hg19) VCF-style: chr15-50534832-A-G.
Other names: c.1515T>C, p.Asn505= (NM_001306146.2).
Identifiers: ClinVar variation 3060900 (VCV003060900.2), dbSNP rs1549521, ClinGen allele CA7554527.

ClinVar aggregate classification (germline): Benign (0 of 4 stars; one submission).

Conditions:
HDC-related disorder. Also called: HDC-related condition.

Allele frequency attached by ClinVar (database versions not stated): gnomAD 0.12141; ESP Exome Variant Server 0.13480; TOPMed 0.13644; 1000 Genomes Project 0.14077; 1000 Genomes Project 30x 0.14819; gnomAD exomes 0.03519; ExAC 0.05651.
gnomAD v4.1: 70,650 of 1,613,986 alleles (4.4%); highest among the groups gnomAD compares: African/African-American, 37%; 5,928 homozygotes.

Submission:

PreventionGenetics, part of Exact Sciences
Classification: Benign for HDC-related condition. Last evaluated: 2019-10-28. Review status: no assertion criteria provided. Collection method: clinical testing. Allele origin: germline.
Comment: This variant is classified as benign based on ACMG/AMP sequence variant interpretation guidelines (Richards et al. 2015 PMID: 25741868, with internal and published modifications).